The following is an entry in ClinVar:

NM_021008.4(DEAF1):c.1441A>G (p.Ser481Gly)

Genes: DEAF1 (DEAF1 transcription factor; minus strand), LOC126861109 (BRD4-independent group 4 enhancer GRCh37_chr11:673917-675116; plus strand). Cytogenetic location: 11p15.5.
Variant type: single nucleotide variant.
Coding change: c.1441A>G on transcript NM_021008.4 (MANE Select); coding-DNA position 1441, A replaced by G.
Protein change: p.Ser481Gly; replaces serine 481 with glycine.
Molecular consequence: missense variant.
Genome position (GRCh38, 1-based): chr11:674,598, T>C on the plus strand (A>G on the coding strand, the complement: DEAF1 is on the minus strand). VCF-style: chr11-674598-T-C. GRCh37 (hg19) VCF-style: chr11-674598-T-C.
Other names: c.1174A>G, p.Ser392Gly (NM_001293634.2); c.715A>G, p.Ser239Gly (NM_001367390.1); short protein forms S239G, S392G, S481G.
Identifiers: ClinVar variation 2859118 (VCV002859118.3), dbSNP rs2494378788, ClinGen allele CA378923484.

ClinVar aggregate classification (germline): Uncertain significance (1 of 4 stars; one submission).

Submission:

Labcorp Genetics (formerly Invitae), Labcorp
Classification: Uncertain significance. Last evaluated: 2023-04-25. Review status: criteria provided, single submitter. Criteria: Invitae Variant Classification Sherloc (09022015). Collection method: clinical testing. Allele origin: germline.
Comment: This variant has not been reported in the literature in individuals affected with DEAF1-related conditions. In summary, the available evidence is currently insufficient to determine the role of this variant in disease. Therefore, it has been classified as a Variant of Uncertain Significance. Advanced modeling of protein sequence and biophysical properties (such as structural, functional, and spatial information, amino acid conservation, physicochemical variation, residue mobility, and thermodynamic stability) has been performed at Invitae for this missense variant, however the output from this modeling did not meet the statistical confidence thresholds required to predict the impact of this variant on DEAF1 protein function. This variant is not present in population databases (gnomAD no frequency). This sequence change replaces serine, which is neutral and polar, with glycine, which is neutral and non-polar, at codon 481 of the DEAF1 protein (p.Ser481Gly).